The following is an entry in ClinVar:

NM_003560.4(PLA2G6):c.692G>T (p.Gly231Val)

Gene: PLA2G6 (phospholipase A2 group VI; minus strand). Cytogenetic location: 22q13.1.
Variant type: single nucleotide variant.
Coding change: c.692G>T on transcript NM_003560.4 (MANE Select); coding-DNA position 692, G replaced by T.
Protein change: p.Gly231Val; replaces glycine 231 with valine.
Molecular consequence: missense variant. On other transcripts: intron variant (1).
Genome position (GRCh38, 1-based): chr22:38,140,087, C>A on the plus strand (G>T on the coding strand, the complement: PLA2G6 is on the minus strand). VCF-style: chr22-38140087-C-A. GRCh37 (hg19) VCF-style: chr22-38536094-C-A.
Other names: c.692G>T, p.Gly231Val (NM_001004426.3, NM_001199562.3, NM_001349864.2 and 2 more transcripts); c.158G>T, p.Gly53Val (NM_001349867.2, NM_001349869.2); c.119+3018G>T (NM_001349868.2); short protein forms G231V, G53V.
Identifiers: ClinVar variation 2573504 (VCV002573504.1), dbSNP rs771856717, ClinGen allele CA411531447.

ClinVar aggregate classification (germline): Uncertain significance (1 of 4 stars; one submission).

Submission:

Women's Health and Genetics/Laboratory Corporation of America, LabCorp
Classification: Uncertain significance. Last evaluated: 2023-06-20. Review status: criteria provided, single submitter. Criteria: LabCorp Variant Classification Summary - May 2015. Collection method: clinical testing. Allele origin: germline.
Comment: Variant summary: PLA2G6 c.692G>T (p.Gly231Val) results in a non-conservative amino acid change in the encoded protein sequence. Five of five in-silico tools predict a damaging effect of the variant on protein function. The variant was absent in 251186 control chromosomes. c.692G>T has been reported in the literature in compound heterozygous individuals affected with infantile neuroaxonal dystrophy (Zhang_2013, Hao_2020). These data indicate that the variant may be associated with disease. To our knowledge, no experimental evidence demonstrating an impact on protein function has been reported. The following publications have been ascertained in the context of this evaluation (PMID: 32010257, 22934738). No submitters have cited clinical-significance assessments for this variant to ClinVar after 2014. Based on the evidence outlined above, the variant was classified as VUS-possibly pathogenic.

Literature cited by the submitters: PubMed 22934738; PubMed 32010257.